The following is an entry in ClinVar:

NM_000059.3(BRCA2):c.-481G>A

Genes: BRCA2 (BRCA2 DNA repair associated; plus strand), ZAR1L (zygote arrest 1 like; minus strand), LOC106721785 (BRCA2 promoter/silencer region; plus strand). Cytogenetic location: 13q13.1.
Variant type: single nucleotide variant.
Coding change: c.-481G>A on transcript NM_000059.3; 481 bases upstream of the start codon, G replaced by A.
Molecular consequence: intron variant (on NM_001136571.2).
Genome position (GRCh38, 1-based): chr13:32,315,226, G>A. VCF-style: chr13-32315226-G-A. GRCh37 (hg19) VCF-style: chr13-32889363-G-A.
Other names: -253 G>A; c.-390+89C>T (NM_001136571.2); c.-40+81G>A (NM_001432077.1).
Identifiers: ClinVar variation 209598 (VCV000209598.4), dbSNP rs3092989, ClinGen allele CA276567.

ClinVar aggregate classification (germline): Benign. Review status: reviewed by expert panel (3 of 4 stars). 2 submissions from 2 submitters: Benign (1). 1 of the submissions does not count toward it. Last evaluated 2015-01-12.

Conditions:
Breast-ovarian cancer, familial, susceptibility to, 2 (BROVCA2). Also called: BRCA2 Hereditary Breast and Ovarian Cancer. Identifiers: Orphanet 145, MedGen C2675520, MONDO:0012933, OMIM 612555. Disease mechanism: loss of function.

Allele frequency attached by ClinVar (database versions not stated): 1000 Genomes Project 30x 0.15896; 1000 Genomes Project 0.15954; gnomAD 0.17301 and 0.17459; gnomAD exomes 0.15423; TOPMed 0.17225.
gnomAD v4.1: 26,389 of 152,490 alleles (17%); highest among the groups gnomAD compares: Admixed American, 20%; 2,432 homozygotes.

Submissions (2):

Evidence-based Network for the Interpretation of Germline Mutant Alleles (ENIGMA)
Classification: Benign for Breast-ovarian cancer, familial 2. Last evaluated: 2015-01-12. Review status: reviewed by expert panel. Criteria: ENIGMA BRCA1/2 Classification Criteria (2015). Collection method: curation. Allele origin: germline.
Comment: Class 1 not pathogenic based on frequency >1% in an outbred sampleset. Frequency 0.16 (Asian), 0.18 (African), 0.18 (European), derived from 1000 genomes (2012-04-30).

Breakthrough Genomics
Classification: Benign. Review status: criteria provided, single submitter. Criteria: ACMG Guidelines, 2015. Collection method: not provided. Allele origin: germline. Inheritance: Unknown mechanism. Affected: yes. Not counted in ClinVar's aggregate classification.